The following is an entry in ClinVar:

ClinVar aggregate classification (germline): Pathogenic (1 of 4 stars; one submission).

Conditions:
Hereditary cancer-predisposing syndrome. Also called: Neoplastic Syndromes, Hereditary; Tumor predisposition; Hereditary neoplastic syndrome; Hereditary Cancer Syndrome. Identifiers: Orphanet 140162, MedGen C0027672, MeSH D009386, MONDO:0015356.

Submission:

Ambry Genetics
Classification: Pathogenic for Hereditary cancer-predisposing syndrome. Last evaluated: 2023-02-03. Review status: criteria provided, single submitter. Criteria: Ambry Variant Classification Scheme 2023. Collection method: clinical testing. Allele origin: germline.
Comment: The c.747delT pathogenic mutation, located in coding exon 9 of the MUTYH gene, results from a deletion of one nucleotide at nucleotide position 747, causing a translational frameshift with a predicted alternate stop codon (p.I249Mfs*17). This variant is considered to be rare based on population cohorts in the Genome Aggregation Database (gnomAD). This alteration is expected to result in loss of function by premature protein truncation or nonsense-mediated mRNA decay. As such, this alteration is interpreted as a disease-causing mutation.

NM_001048174.2(MUTYH):c.663del (p.Ile221fs)

Gene: MUTYH (mutY DNA glycosylase; minus strand). Cytogenetic location: 1p34.1.
Variant type: Deletion.
Coding change: c.663del on transcript NM_001048174.2 (MANE Select); coding-DNA position 663, one base deleted (T; older notation c.663delT).
Protein change: p.Ile221fs; shifts the reading frame from isoleucine 221.
Molecular consequence: frameshift variant. On other transcripts: non-coding transcript variant (7).
Genome position (GRCh38, 1-based): chr1:45,332,432, A deleted on the plus strand (T on the coding strand, the reverse complement: MUTYH is on the minus strand); the first of 2 consecutive A bases (chr1:45,332,432-45,332,433); deleting either gives the same sequence. VCF-style (leftmost placement, unchanged base first): chr1-45332431-CA-C. GRCh37 (hg19) VCF-style: chr1-45798103-CA-C.
Other names: c.663del, p.Ile221fs (NM_001048171.2, NM_001048173.2, NM_001293195.2 and 6 more transcripts); c.666del, p.Ile222fs (NM_001048172.2, NM_001407071.1, NM_001407078.1 and 1 more transcripts); c.747del, p.Ile249fs (NM_001128425.2); c.708del, p.Ile236fs (NM_001293190.2); c.696del, p.Ile232fs (NM_001293191.2, NM_001407069.1, NM_001407077.1); c.387del, p.Ile129fs (NM_001293192.2, NM_001293196.2, NM_001407091.1); c.318del, p.Ile106fs (NM_001350650.2, NM_001350651.2, NM_001407082.1); c.579del, p.Ile193fs (NM_001407075.1); and 6 more; short protein forms I106fs, I208fs, I222fs, I228fs, I232fs, I246fs, I249fs, I129fs.
Identifiers: ClinVar variation 2453363 (VCV002453363.2), dbSNP rs2524112772, ClinGen allele CA2580063102.
Genomic context (GRCh38, chr1:45,332,431, plus strand): 5'-TTGTTACCCCAACATCCTACCAGAGCTGCTGGGAAACAAGGGTGCTGCTGGGATCAGCAC[CA>C]ATGGCTCGGACACGGCACAGCACCCGTGCTACGTTGCCATCCACCACACCGGTTGCCTGG-3'